The following is an entry in ClinVar:

ClinVar aggregate classification (germline): Uncertain significance. Review status: criteria provided, multiple submitters, no conflicts (2 of 4 stars). 2 submissions from 2 submitters: Uncertain significance (2). Last evaluated 2023-10-04.

Conditions:
Charcot-Marie-Tooth disease axonal type 2C (HMSN2C). Also called: Charcot-Marie-Tooth Disease Type 2, TRPV4-Related (CMT2C); CHARCOT-MARIE-TOOTH DISEASE, AXONAL, AUTOSOMAL DOMINANT, TYPE 2C; Charcot-Marie-Tooth Neuropathy Type 2C. Identifiers: Orphanet 99937, MedGen C1853710, MONDO:0011633, OMIM 606071.

Allele frequency attached by ClinVar (database versions not stated): gnomAD exomes below 0.00001; TOPMed below 0.00001; gnomAD 0.00001.
gnomAD v4.1: 2 of 1,613,562 alleles (0.00012%); highest among the groups gnomAD compares: African/African-American, 0.0013%; no homozygotes.

Submissions (2):

Labcorp Genetics (formerly Invitae), Labcorp
Classification: Uncertain significance for Charcot-Marie-Tooth disease axonal type 2C. Last evaluated: 2023-10-04. Review status: criteria provided, single submitter. Criteria: Invitae Variant Classification Sherloc (09022015). Collection method: clinical testing. Allele origin: germline.
Comment: This sequence change replaces asparagine, which is neutral and polar, with aspartic acid, which is acidic and polar, at codon 445 of the TRPV4 protein (p.Asn445Asp). This variant is not present in population databases (gnomAD no frequency). This variant has not been reported in the literature in individuals affected with TRPV4-related conditions. An algorithm developed to predict the effect of missense changes on protein structure and function (PolyPhen-2) suggests that this variant is likely to be tolerated. In summary, the available evidence is currently insufficient to determine the role of this variant in disease. Therefore, it has been classified as a Variant of Uncertain Significance.

Blueprint Genetics
Classification: Uncertain significance. Last evaluated: 2022-07-05. Review status: criteria provided, single submitter. Criteria: ACMG Guidelines, 2015. Collection method: clinical testing. Allele origin: germline.

NM_021625.5(TRPV4):c.1333A>G (p.Asn445Asp)

Gene: TRPV4 (transient receptor potential cation channel subfamily V member 4; minus strand). Cytogenetic location: 12q24.11.
Variant type: single nucleotide variant.
Coding change: c.1333A>G on transcript NM_021625.5 (MANE Select); coding-DNA position 1333, A replaced by G.
Protein change: p.Asn445Asp; replaces asparagine 445 with aspartic acid.
Molecular consequence: missense variant.
Genome position (GRCh38, 1-based): chr12:109,794,487, T>C on the plus strand (A>G on the coding strand, the complement: TRPV4 is on the minus strand). VCF-style: chr12-109794487-T-C. GRCh37 (hg19) VCF-style: chr12-110232292-T-C.
Other names: c.1192A>G, p.Asn398Asp (NM_001177428.2); c.1231A>G, p.Asn411Asp (NM_001177431.2); c.1012A>G, p.Asn338Asp (NM_001177433.2); c.1153A>G, p.Asn385Asp (NM_147204.3); short protein forms N411D, N445D, N338D, N385D, N398D.
Identifiers: ClinVar variation 2794083 (VCV002794083.4), dbSNP rs1342697211, ClinGen allele CA386653277.